The following is an entry in ClinVar:

NM_004371.4(COPA):c.2755A>C (p.Ile919Leu)

Gene: COPA (coat protein complex I subunit alpha; minus strand). Cytogenetic location: 1q23.2.
Variant type: single nucleotide variant.
Coding change: c.2755A>C on transcript NM_004371.4 (MANE Select); coding-DNA position 2755, A replaced by C.
Protein change: p.Ile919Leu; replaces isoleucine 919 with leucine.
Molecular consequence: missense variant.
Genome position (GRCh38, 1-based): chr1:160,293,234, T>G on the plus strand (A>C on the coding strand, the complement: COPA is on the minus strand). VCF-style: chr1-160293234-T-G. GRCh37 (hg19) VCF-style: chr1-160263024-T-G.
Other names: c.2782A>C, p.Ile928Leu (NM_001098398.2); short protein forms I919L, I928L.
Identifiers: ClinVar variation 2111081 (VCV002111081.4), dbSNP rs2525352741, ClinGen allele CA343274895.
Genomic context (GRCh38, chr1:160,293,234, plus strand): 5'-CTGTTTCGAAAGAGCCTGCCAGGATGTGATCAACTGGAAGCTGAGAGTTATTACACCAGA[T>G]CTAACAAGAAACAAAAAAACCCAAGCCAAGTGAAACTTTGTCCCTTCTCTATTCTCCTCT-3'
Protein context (NP_004362.2, residues 909-929): PPTKGTSPTQ[Ile919Leu]WCNNSQLPVD

ClinVar aggregate classification (germline): Uncertain significance (1 of 4 stars; one submission).

Conditions:
Autoimmune interstitial lung disease-arthritis syndrome. Also called: Autoinflammation and autoimmunity, systemic, with immune dysregulation. Identifiers: Orphanet 444092, MedGen C5975714, MONDO:0014629.

Submission:

Labcorp Genetics (formerly Invitae), Labcorp
Classification: Uncertain significance for Autoimmune interstitial lung disease-arthritis syndrome. Last evaluated: 2022-09-19. Review status: criteria provided, single submitter. Criteria: Invitae Variant Classification Sherloc (09022015). Collection method: clinical testing. Allele origin: germline.
Comment: In summary, the available evidence is currently insufficient to determine the role of this variant in disease. Therefore, it has been classified as a Variant of Uncertain Significance. Algorithms developed to predict the effect of missense changes on protein structure and function (SIFT, PolyPhen-2, Align-GVGD) all suggest that this variant is likely to be tolerated. This variant has not been reported in the literature in individuals affected with COPA-related conditions. This variant is not present in population databases (gnomAD no frequency). This sequence change replaces isoleucine, which is neutral and non-polar, with leucine, which is neutral and non-polar, at codon 919 of the COPA protein (p.Ile919Leu).